The following is an entry in ClinVar:

ClinVar aggregate classification (germline): Uncertain significance (1 of 4 stars; one submission).

Conditions:
Inflammatory bowel disease 28. Also called: Inflammatory bowel disease 28, early onset, autosomal recessive. Identifiers: Orphanet 238569, MedGen C2751053, MONDO:0013153, OMIM 613148.

Allele frequency attached by ClinVar (database versions not stated): gnomAD 0.00002; gnomAD exomes 0.00002 and 0.00005; TOPMed 0.00002.
gnomAD v4.1: 78 of 1,552,534 alleles (0.005%); highest among the groups gnomAD compares: Non-Finnish European, 0.0059%; no homozygotes.

Submission:

Labcorp Genetics (formerly Invitae), Labcorp
Classification: Uncertain significance for Inflammatory bowel disease 28. Last evaluated: 2021-08-31. Review status: criteria provided, single submitter. Criteria: Invitae Variant Classification Sherloc (09022015). Collection method: clinical testing. Allele origin: germline.
Comment: This sequence change falls in intron 1 of the IL10RA gene. It does not directly change the encoded amino acid sequence of the IL10RA protein. It affects a nucleotide within the consensus splice site of the intron. This variant is not present in population databases (ExAC no frequency). This variant has not been reported in the literature in individuals affected with IL10RA-related conditions. Variants that disrupt the consensus splice site are a relatively common cause of aberrant splicing (PMID: 17576681, 9536098). Algorithms developed to predict the effect of sequence changes on RNA splicing suggest that this variant is not likely to affect RNA splicing. In summary, the available evidence is currently insufficient to determine the role of this variant in disease. Therefore, it has been classified as a Variant of Uncertain Significance.

Literature cited by the submitters: PubMed 17576681; PubMed 9536098.

NM_001558.4(IL10RA):c.67+6G>T

Gene: IL10RA (interleukin 10 receptor subunit alpha; plus strand). Cytogenetic location: 11q23.3.
Variant type: single nucleotide variant.
Coding change: c.67+6G>T on transcript NM_001558.4 (MANE Select); 6 bases into the intron after coding-DNA position 67, G replaced by T.
Molecular consequence: intron variant.
Genome position (GRCh38, 1-based): chr11:117,986,540, G>T. VCF-style: chr11-117986540-G-T. GRCh37 (hg19) VCF-style: chr11-117857255-G-T.
Identifiers: ClinVar variation 1046747 (VCV001046747.6), dbSNP rs1182312522, ClinGen allele CA601859822.